The following is an entry in ClinVar:

ClinVar aggregate classification (germline): Uncertain significance (1 of 4 stars; one submission).

Conditions:
Hereditary cancer-predisposing syndrome. Also called: Neoplastic Syndromes, Hereditary; Tumor predisposition; Hereditary Cancer Syndrome; Hereditary neoplastic syndrome. Identifiers: Orphanet 140162, MedGen C0027672, MeSH D009386, MONDO:0015356.

Allele frequency attached by ClinVar (database versions not stated): gnomAD exomes below 0.00001.
gnomAD v4.1: 2 of 1,614,140 alleles (0.00012%); highest among the groups gnomAD compares: Non-Finnish European, 0.00017%; no homozygotes.

Submission:

Ambry Genetics
Classification: Uncertain significance for Hereditary cancer-predisposing syndrome. Last evaluated: 2020-01-31. Review status: criteria provided, single submitter. Criteria: Ambry Variant Classification Scheme 2023. Collection method: clinical testing. Allele origin: germline.
Comment: The p.E582Q variant (also known as c.1744G>C), located in coding exon 11 of the PMS2 gene, results from a G to C substitution at nucleotide position 1744. The glutamic acid at codon 582 is replaced by glutamine, an amino acid with highly similar properties. This amino acid position is well conserved in available vertebrate species. In addition, this alteration is predicted to be tolerated by in silico analysis. Since supporting evidence is limited at this time, the clinical significance of this alteration remains unclear.

NM_000535.7(PMS2):c.1744G>C (p.Glu582Gln)

Gene: PMS2 (PMS1 homolog 2, mismatch repair system component; minus strand). Cytogenetic location: 7p22.1.
Variant type: single nucleotide variant.
Coding change: c.1744G>C on transcript NM_000535.7 (MANE Select); coding-DNA position 1744, G replaced by C.
Protein change: p.Glu582Gln; replaces glutamic acid 582 with glutamine.
Molecular consequence: missense variant. On other transcripts: non-coding transcript variant (1).
Genome position (GRCh38, 1-based): chr7:5,987,021, C>G on the plus strand (G>C on the coding strand, the complement: PMS2 is on the minus strand). VCF-style: chr7-5987021-C-G. GRCh37 (hg19) VCF-style: chr7-6026652-C-G.
Other names: c.1339G>C, p.Glu447Gln (NM_001018040.1, NM_001322003.2, NM_001322004.2 and 17 more transcripts); c.1588G>C, p.Glu530Gln (NM_001322006.2, NM_001406870.1); c.1426G>C, p.Glu476Gln (NM_001322007.2, NM_001322008.2, NM_001406876.1 and 2 more transcripts); c.1183G>C, p.Glu395Gln (NM_001322010.2, NM_001406906.1, NM_001406907.1); c.811G>C, p.Glu271Gln (NM_001322011.2, NM_001322012.2); c.1171G>C, p.Glu391Gln (NM_001322013.2, NM_001406909.1); c.1744G>C, p.Glu582Gln (NM_001322014.2, NM_001406871.1, NM_001406872.1); c.1435G>C, p.Glu479Gln (NM_001322015.2, NM_001406875.1, NM_001406877.1 and 5 more transcripts); and 12 more; short protein forms E395Q, E424Q, E479Q, E582Q, E644Q, E325Q, E427Q, E447Q.
Identifiers: ClinVar variation 1779266 (VCV001779266.2), dbSNP rs63750739, ClinGen allele CA366740069.